The following is an entry in ClinVar:

ClinVar aggregate classification (germline): Likely pathogenic (1 of 4 stars; one submission).

Conditions:
Aicardi Goutieres syndrome (AGS). Also called: Encephalopathy, familial infantile, with calcification of basal ganglia and chronic cerebrospinal fluid lymphocytosis. Identifiers: Orphanet 51, MedGen C0393591, MONDO:0018866.

Submission:

Women's Health and Genetics/Laboratory Corporation of America, LabCorp
Classification: Likely pathogenic for Aicardi Goutieres syndrome. Last evaluated: 2022-06-07. Review status: criteria provided, single submitter. Criteria: LabCorp Variant Classification Summary - May 2015. Collection method: clinical testing. Allele origin: germline.
Comment: Variant summary: The variant identified by MLPA or other technology involves the duplication of exons 7-11 in the SAMHD1 gene. A presumed nomenclature of c.(696+1_697-1)_(1270+1_1271-1)dup has been designated for the purposes of this classification. It has been assumed that this is a tandem duplication in direct orientation (Richardson_GIM_2018, Newman_AJHG_2015). Although exact breakpoints of this duplication are not known, it is expected to result in a frameshift change in the SAMHD1 gene, predicted as p.(Asp424Alafs*2) by alamut. The variant was absent in 21694 control chromosomes (gnomAD SVs, Structural Variants dataset). The available data on variant occurrences in the general population are insufficient to allow any conclusion about variant significance. To our knowledge, no occurrence of c.(696+1_697-1)_(1270+1_1271-1)dup in individuals affected with Aicardi Goutieres Syndrome and no experimental evidence demonstrating its impact on protein function have been reported. One ClinVar submitter (evaluation after 2014) cites the variant as likely pathogenic. Based on the evidence outlined above, the variant was classified as likely pathogenic.

NC_000020.10:g.(35533907_35539620)_(35547923_35555584)dup

Gene: SAMHD1 (SAM and HD domain containing deoxynucleoside triphosphate triphosphohydrolase 1; minus strand). Cytogenetic location: 20q11.23.
Variant type: Duplication.
Identifiers: ClinVar variation 1698506 (VCV001698506.1).